The following is an entry in ClinVar:

NM_004360.5(CDH1):c.207T>G (p.Phe69Leu)

Gene: CDH1 (cadherin 1; plus strand). Cytogenetic location: 16q22.1.
Variant type: single nucleotide variant.
Coding change: c.207T>G on transcript NM_004360.5 (MANE Select); coding-DNA position 207, T replaced by G.
Protein change: p.Phe69Leu; replaces phenylalanine 69 with leucine.
Molecular consequence: missense variant. On other transcripts: 5 prime UTR variant (2).
Genome position (GRCh38, 1-based): chr16:68,801,713, T>G. VCF-style: chr16-68801713-T-G. GRCh37 (hg19) VCF-style: chr16-68835616-T-G.
Other names: c.207T>G, p.Phe69Leu (NM_001317184.2); c.-1409T>G (NM_001317185.2); c.-1613T>G (NM_001317186.2); short protein forms F69L.
Identifiers: ClinVar variation 491519 (VCV000491519.5), dbSNP rs1190318676, ClinGen allele CA396457164.

ClinVar aggregate classification (germline): Uncertain significance (1 of 4 stars; one submission).

Conditions:
Hereditary cancer-predisposing syndrome. Also called: Hereditary neoplastic syndrome; Tumor predisposition; Hereditary Cancer Syndrome; Neoplastic Syndromes, Hereditary. Identifiers: Orphanet 140162, MedGen C0027672, MeSH D009386, MONDO:0015356.

Submission:

Color Diagnostics, LLC DBA Color Health
Classification: Uncertain significance for Hereditary cancer-predisposing syndrome. Last evaluated: 2023-12-05. Review status: criteria provided, single submitter. Criteria: ACMG Guidelines, 2015. Collection method: clinical testing. Allele origin: germline.
Comment: This missense variant replaces phenylalanine with leucine at codon 69 of the CDH1 protein. To our knowledge, functional studies have not been reported for this variant. This variant has not been reported in individuals affected with CDH1-related disorders in the literature. This variant has not been identified in the general population by the Genome Aggregation Database (gnomAD). The available evidence is insufficient to determine the role of this variant in disease conclusively. Therefore, this variant is classified as a Variant of Uncertain Significance.